The following is an entry in ClinVar:

ClinVar aggregate classification (germline): Uncertain significance (1 of 4 stars; one submission).

Allele frequency attached by ClinVar (database versions not stated): gnomAD exomes below 0.00001.
gnomAD v4.1: 3 of 1,535,066 alleles (0.0002%); highest among the groups gnomAD compares: Non-Finnish European, 0.00026%; no homozygotes.

Submission:

Labcorp Genetics (formerly Invitae), Labcorp
Classification: Uncertain significance. Last evaluated: 2025-11-03. Review status: criteria provided, single submitter. Criteria: Invitae Variant Classification Sherloc (09022015). Collection method: clinical testing. Allele origin: germline.
Comment: This sequence change replaces proline, which is neutral and non-polar, with alanine, which is neutral and non-polar, at codon 331 of the MAGEL2 protein (p.Pro331Ala). This variant is not present in population databases (gnomAD no frequency). This variant has not been reported in the literature in individuals affected with MAGEL2-related conditions. ClinVar contains an entry for this variant (Variation ID: 1908871). Experimental studies and prediction algorithms are not available or were not evaluated, and the functional significance of this variant is currently unknown. In summary, the available evidence is currently insufficient to determine the role of this variant in disease. Therefore, it has been classified as a Variant of Uncertain Significance.

NM_019066.5(MAGEL2):c.991C>G (p.Pro331Ala)

Gene: MAGEL2 (MAGE family member L2; minus strand). Cytogenetic location: 15q11.2.
Variant type: single nucleotide variant.
Coding change: c.991C>G on transcript NM_019066.5 (MANE Select); coding-DNA position 991, C replaced by G.
Protein change: p.Pro331Ala; replaces proline 331 with alanine.
Molecular consequence: missense variant.
Genome position (GRCh38, 1-based): chr15:23,646,752, G>C on the plus strand (C>G on the coding strand, the complement: MAGEL2 is on the minus strand). VCF-style: chr15-23646752-G-C. GRCh37 (hg19) VCF-style: chr15-23891899-G-C.
Other names: short protein forms P331A.
Identifiers: ClinVar variation 1908871 (VCV001908871.5), dbSNP rs1009945974, ClinGen allele CA267660804.